The following is an entry in ClinVar:

ClinVar aggregate classification (germline): Uncertain significance (1 of 4 stars; one submission).

Conditions:
Hereditary hyperekplexia. Identifiers: Orphanet 3197, MedGen C4084968, MONDO:0021022.

gnomAD v4.1: 2 of 1,614,178 alleles (0.00012%); highest among the groups gnomAD compares: Admixed American, 0.0017%; no homozygotes.

Submission:

Labcorp Genetics (formerly Invitae), Labcorp
Classification: Uncertain significance for Hereditary hyperekplexia. Last evaluated: 2024-03-03. Review status: criteria provided, single submitter. Criteria: Invitae Variant Classification Sherloc (09022015). Collection method: clinical testing. Allele origin: germline.
Comment: This sequence change replaces proline, which is neutral and non-polar, with serine, which is neutral and polar, at codon 394 of the GLRA1 protein (p.Pro394Ser). This variant is present in population databases (no rsID available, gnomAD 0.003%). This variant has not been reported in the literature in individuals affected with GLRA1-related conditions. ClinVar contains an entry for this variant (Variation ID: 1400773). Advanced modeling of protein sequence and biophysical properties (such as structural, functional, and spatial information, amino acid conservation, physicochemical variation, residue mobility, and thermodynamic stability) performed at Invitae indicates that this missense variant is not expected to disrupt GLRA1 protein function with a negative predictive value of 80%. In summary, the available evidence is currently insufficient to determine the role of this variant in disease. Therefore, it has been classified as a Variant of Uncertain Significance.

NM_000171.4(GLRA1):c.1180C>T (p.Pro394Ser)

Gene: GLRA1 (glycine receptor alpha 1; minus strand). Cytogenetic location: 5q33.1.
Variant type: single nucleotide variant.
Coding change: c.1180C>T on transcript NM_000171.4 (MANE Select); coding-DNA position 1180, C replaced by T.
Protein change: p.Pro394Ser; replaces proline 394 with serine.
Molecular consequence: missense variant.
Genome position (GRCh38, 1-based): chr5:151,822,843, G>A on the plus strand (C>T on the coding strand, the complement: GLRA1 is on the minus strand). VCF-style: chr5-151822843-G-A. GRCh37 (hg19) VCF-style: chr5-151202404-G-A.
Other names: c.1204C>T, p.Pro402Ser (NM_001146040.2); c.931C>T, p.Pro311Ser (NM_001292000.2); short protein forms P402S, P311S, P394S.
Identifiers: ClinVar variation 1400773 (VCV001400773.6), dbSNP rs779337812, ClinGen allele CA361850042.